The following is an entry in ClinVar:

NM_012144.4(DNAI1):c.1358_1359del (p.Ser453fs)

Gene: DNAI1 (dynein axonemal intermediate chain 1; plus strand). Cytogenetic location: 9p13.3.
Variant type: Microsatellite.
Coding change: c.1358_1359del on transcript NM_012144.4 (MANE Select); coding-DNA positions 1358 to 1359, 2 bases deleted (CT; older notation c.1358_1359delCT).
Protein change: p.Ser453fs; shifts the reading frame from serine 453.
Molecular consequence: frameshift variant.
Genome position (GRCh38, 1-based): chr9:34,512,155-34,512,156, CT deleted; deleting any 2 consecutive bases within chr9:34,512,152-34,512,156 gives the same sequence; the c. name uses the placement nearest the transcript's 3' end. VCF-style (leftmost placement, unchanged base first): chr9-34512151-TTC-T. GRCh37 (hg19) VCF-style: chr9-34512149-TTC-T.
Other names: c.1370_1371del, p.Ser457fs (NM_001281428.2); short protein forms S453fs, S457fs.
Identifiers: ClinVar variation 1071319 (VCV001071319.7), dbSNP rs2132081341, ClinGen allele CA2580616171.

ClinVar aggregate classification (germline): Pathogenic (1 of 4 stars; one submission).

Conditions:
Primary ciliary dyskinesia. Also called: Ciliary dyskinesia. Identifiers: Orphanet 244, MedGen C0008780, MONDO:0016575, HP:0012265.

Submission:

Labcorp Genetics (formerly Invitae), Labcorp
Classification: Pathogenic for Primary ciliary dyskinesia. Last evaluated: 2020-09-07. Review status: criteria provided, single submitter. Criteria: Invitae Variant Classification Sherloc (09022015). Collection method: clinical testing. Allele origin: germline.
Comment: For these reasons, this variant has been classified as Pathogenic. Loss-of-function variants in DNAI1 are known to be pathogenic (PMID: 16858015, 29363216). This variant has not been reported in the literature in individuals with DNAI1-related conditions. This variant is not present in population databases (ExAC no frequency). This sequence change creates a premature translational stop signal (p.Ser453Cysfs*4) in the DNAI1 gene. It is expected to result in an absent or disrupted protein product.

Literature cited by the submitters: PubMed 16858015; PubMed 29363216.